The following is an entry in ClinVar:

ClinVar aggregate classification (germline): Conflicting classifications of pathogenicity. Review status: criteria provided, conflicting classifications (1 of 4 stars). 2 submissions from 2 submitters: Uncertain significance (1); Likely benign (1). Last evaluated 2024-08-29.

Conditions:
Autosomal dominant centronuclear myopathy. Also called: Myopathy, centronuclear, 3; MYOTUBULAR MYOPATHY, AUTOSOMAL DOMINANT. Identifiers: Orphanet 169189, MedGen C4551952, MeSH D020914, MONDO:0008048, OMIM 160150.
Charcot-Marie-Tooth disease dominant intermediate B (CMTDIB). Also called: Charcot-Marie-Tooth disease dominant intermediate 1; CMT DI1; Charcot-Marie-Tooth disease dominant intermediate I; CHARCOT-MARIE-TOOTH NEUROPATHY, DOMINANT INTERMEDIATE B. Identifiers: Orphanet 100044, Orphanet 228179, MedGen C1847902, MONDO:0011674, OMIM 606482.

Allele frequency attached by ClinVar (database versions not stated): gnomAD exomes below 0.00001; ExAC 0.00001; gnomAD 0.00002 and 0.00003; TOPMed 0.00003.
gnomAD v4.1: 61 of 1,612,116 alleles (0.0038%); highest among the groups gnomAD compares: Non-Finnish European, 0.0047%; no homozygotes.

Submissions (2):

Labcorp Genetics (formerly Invitae), Labcorp
Classification: Likely benign for Charcot-Marie-Tooth disease dominant intermediate B. Last evaluated: 2024-08-29. Review status: criteria provided, single submitter. Criteria: Invitae Variant Classification Sherloc (09022015). Collection method: clinical testing. Allele origin: germline.

Baylor Genetics
Classification: Uncertain significance for Autosomal dominant centronuclear myopathy. Last evaluated: 2018-04-11. Review status: criteria provided, single submitter. Criteria: ACMG Guidelines, 2015. Collection method: clinical testing. Allele origin: maternal. Affected: yes.
Comment: This variant was determined to be of uncertain significance according to ACMG Guidelines, 2015 [PMID:25741868].

NM_001005361.3(DNM2):c.1552A>C (p.Ile518Leu)

Gene: DNM2 (dynamin 2; plus strand). Cytogenetic location: 19p13.2.
Variant type: single nucleotide variant.
Coding change: c.1552A>C on transcript NM_001005361.3 (MANE Select); coding-DNA position 1552, A replaced by C.
Protein change: p.Ile518Leu; replaces isoleucine 518 with leucine.
Molecular consequence: missense variant. On other transcripts: intron variant (2).
Genome position (GRCh38, 1-based): chr19:10,808,575, A>C. VCF-style: chr19-10808575-A-C. GRCh37 (hg19) VCF-style: chr19-10919251-A-C.
Other names: c.1552A>C, p.Ile518Leu (NM_001005360.3, NM_001190716.2); c.1545+2608A>C (NM_004945.4, NM_001005362.3); short protein forms I518L.
Identifiers: ClinVar variation 1032513 (VCV001032513.9), dbSNP rs753402698, ClinGen allele CA9201233.